The following is an entry in ClinVar:

NM_004782.4(SNAP29):c.450A>G (p.Ile150Met)

Gene: SNAP29 (synaptosome associated protein 29; plus strand). Cytogenetic location: 22q11.21.
Variant type: single nucleotide variant.
Coding change: c.450A>G on transcript NM_004782.4 (MANE Select); coding-DNA position 450, A replaced by G.
Protein change: p.Ile150Met; replaces isoleucine 150 with methionine.
Molecular consequence: missense variant.
Genome position (GRCh38, 1-based): chr22:20,881,064, A>G. VCF-style: chr22-20881064-A-G. GRCh37 (hg19) VCF-style: chr22-21235352-A-G.
Other names: short protein forms I150M.
Identifiers: ClinVar variation 5017572 (VCV005017572.1).

ClinVar aggregate classification (germline): Uncertain significance (1 of 4 stars; one submission).

gnomAD v4.1: 2 of 1,610,754 alleles (0.00012%); highest among the groups gnomAD compares: Non-Finnish European, 0.00017%; no homozygotes.

Submission:

GeneDx
Classification: Uncertain significance. Last evaluated: 2026-03-30. Review status: criteria provided, single submitter. Criteria: GeneDx Variant Classification Process June 2021. Collection method: clinical testing. Allele origin: germline.
Comment: Not observed at significant frequency in large population cohorts (gnomAD); In silico analysis suggests that this missense variant does not alter protein structure/function; Has not been previously published as pathogenic or benign to our knowledge